The following is an entry in ClinVar:

ClinVar aggregate classification (germline): Likely benign. Review status: criteria provided, multiple submitters, no conflicts (2 of 4 stars). 2 submissions from 2 submitters: Likely benign (2). Last evaluated 2025-12-15.

Conditions:
Progressive microcephaly-seizures-cortical blindness-developmental delay syndrome. Also called: Seizures, cortical blindness, and microcephaly syndrome. Identifiers: Orphanet 477814, MedGen C5567650, MONDO:0014714, OMIM 616632.
Autosomal dominant nonsyndromic hearing loss 1. Also called: DEAFNESS, AUTOSOMAL DOMINANT 1, WITH OR WITHOUT THROMBOCYTOPENIA; KONIGSMARK SYNDROME. Identifiers: Orphanet 90635, MedGen C1852282, MONDO:0007424, OMIM 124900.

Allele frequency attached by ClinVar (database versions not stated): TOPMed below 0.00001; gnomAD 0.00001; gnomAD exomes 0.00001; ExAC 0.00002; ESP Exome Variant Server 0.00016.
gnomAD v4.1: 1 of 1,613,984 alleles (0.000062%); highest among the groups gnomAD compares: Non-Finnish European, 0.000085%; no homozygotes.

Submissions (2):

Labcorp Genetics (formerly Invitae), Labcorp
Classification: Likely benign for Progressive microcephaly-seizures-cortical blindness-developmental delay syndrome; Autosomal dominant nonsyndromic hearing loss 1. Last evaluated: 2025-12-15. Review status: criteria provided, single submitter. Criteria: Invitae Variant Classification Sherloc (09022015). Collection method: clinical testing. Allele origin: germline.

CeGaT Center for Human Genetics Tuebingen
Classification: Likely benign. Last evaluated: 2022-05-01. Review status: criteria provided, single submitter. Criteria: CeGaT Center For Human Genetics Tuebingen Variant Classification Criteria Version 2. Collection method: clinical testing. Allele origin: germline. Affected: yes. Observed: 1 variant allele.
Comment: DIAPH1: BP4, BP7

NM_005219.5(DIAPH1):c.3465G>A (p.Arg1155=)

Gene: DIAPH1 (diaphanous related formin 1; minus strand). Cytogenetic location: 5q31.3.
Variant type: single nucleotide variant.
Coding change: c.3465G>A on transcript NM_005219.5 (MANE Select); coding-DNA position 3465, G replaced by A.
Protein change: p.Arg1155=; no amino-acid change (arginine 1155 retained).
Molecular consequence: synonymous variant.
Genome position (GRCh38, 1-based): chr5:141,526,147, C>T on the plus strand (G>A on the coding strand, the complement: DIAPH1 is on the minus strand). VCF-style: chr5-141526147-C-T. GRCh37 (hg19) VCF-style: chr5-140905714-C-T.
Other names: c.3438G>A, p.Arg1146= (NM_001079812.3); c.3465G>A, p.Arg1155= (NM_001314007.2).
Identifiers: ClinVar variation 1093267 (VCV001093267.33), dbSNP rs377665243, ClinGen allele CA3478777.